The following is an entry in ClinVar:

NM_001363118.2(SLC52A2):c.127G>C (p.Glu43Gln)

Gene: SLC52A2 (solute carrier family 52 member 2; plus strand). Cytogenetic location: 8q24.3.
Variant type: single nucleotide variant.
Coding change: c.127G>C on transcript NM_001363118.2 (MANE Select); coding-DNA position 127, G replaced by C.
Protein change: p.Glu43Gln; replaces glutamic acid 43 with glutamine.
Molecular consequence: missense variant.
Genome position (GRCh38, 1-based): chr8:144,359,420, G>C. VCF-style: chr8-144359420-G-C. GRCh37 (hg19) VCF-style: chr8-145583080-G-C.
Other names: c.127G>C, p.Glu43Gln (NM_001253815.2, NM_001253816.2, NM_001363120.2 and 3 more transcripts); short protein forms E43Q.
Identifiers: ClinVar variation 2131217 (VCV002131217.4), dbSNP rs2489036236, ClinGen allele CA372626017.

ClinVar aggregate classification (germline): Uncertain significance (1 of 4 stars; one submission).

Conditions:
Brown-Vialetto-van Laere syndrome 2. Also called: SPINOCEREBELLAR ATAXIA WITH BLINDNESS AND DEAFNESS 2; Riboflavin transporter deficiency type 2. Identifiers: Orphanet 572543, Orphanet 97229, MedGen C3553538, MONDO:0013867, OMIM 614707.

Submission:

Labcorp Genetics (formerly Invitae), Labcorp
Classification: Uncertain significance for Brown-Vialetto-van Laere syndrome 2. Last evaluated: 2022-04-30. Review status: criteria provided, single submitter. Criteria: Invitae Variant Classification Sherloc (09022015). Collection method: clinical testing. Allele origin: germline.
Comment: In summary, the available evidence is currently insufficient to determine the role of this variant in disease. Therefore, it has been classified as a Variant of Uncertain Significance. This sequence change replaces glutamic acid, which is acidic and polar, with glutamine, which is neutral and polar, at codon 43 of the SLC52A2 protein (p.Glu43Gln). This variant is not present in population databases (gnomAD no frequency). This variant has not been reported in the literature in individuals affected with SLC52A2-related conditions. Advanced modeling of protein sequence and biophysical properties (such as structural, functional, and spatial information, amino acid conservation, physicochemical variation, residue mobility, and thermodynamic stability) performed at Invitae indicates that this missense variant is expected to disrupt SLC52A2 protein function.